The following is an entry in ClinVar:

NM_022048.5(CSNK1G1):c.420G>A (p.Thr140=)

Gene: CSNK1G1 (casein kinase 1 gamma 1; minus strand). Cytogenetic location: 15q22.31.
Variant type: single nucleotide variant.
Coding change: c.420G>A on transcript NM_022048.5 (MANE Select); coding-DNA position 420, G replaced by A.
Protein change: p.Thr140=; no amino-acid change (threonine 140 retained).
Molecular consequence: synonymous variant.
Genome position (GRCh38, 1-based): chr15:64,216,586, C>T on the plus strand (G>A on the coding strand, the complement: CSNK1G1 is on the minus strand). VCF-style: chr15-64216586-C-T. GRCh37 (hg19) VCF-style: chr15-64508785-C-T.
Other names: c.420G>A, p.Thr140= (NM_001329605.2, NM_001329606.2, NM_001329607.2).
Identifiers: ClinVar variation 3905613 (VCV003905613.10).

ClinVar aggregate classification (germline): Likely benign (1 of 4 stars; one submission).

gnomAD v4.1: 104 of 1,613,802 alleles (0.0064%); highest among the groups gnomAD compares: Non-Finnish European, 0.0081%; no homozygotes.

Submission:

CeGaT Center for Human Genetics Tuebingen
Classification: Likely benign. Last evaluated: 2025-05-01. Review status: criteria provided, single submitter. Criteria: CeGaT Center For Human Genetics Tuebingen Variant Classification Criteria Version 2. Collection method: clinical testing. Allele origin: germline. Affected: yes. Observed: 1 variant allele.
Comment: CSNK1G1: BP4, BP7